The following is an entry in ClinVar:

NM_001127.4(AP1B1):c.1214A>G (p.Tyr405Cys)

Gene: AP1B1 (adaptor related protein complex 1 subunit beta 1; minus strand). Cytogenetic location: 22q12.2.
Variant type: single nucleotide variant.
Coding change: c.1214A>G on transcript NM_001127.4 (MANE Select); coding-DNA position 1214, A replaced by G.
Protein change: p.Tyr405Cys; replaces tyrosine 405 with cysteine.
Molecular consequence: missense variant.
Genome position (GRCh38, 1-based): chr22:29,350,092, T>C on the plus strand (A>G on the coding strand, the complement: AP1B1 is on the minus strand). VCF-style: chr22-29350092-T-C. GRCh37 (hg19) VCF-style: chr22-29746081-T-C.
Other names: c.1214A>G, p.Tyr405Cys (NM_001166019.2, NM_001378562.1, NM_001378563.1 and 2 more transcripts); c.1043A>G, p.Tyr348Cys (NM_001378564.1, NM_001378565.1); short protein forms Y348C, Y405C.
Identifiers: ClinVar variation 4982489 (VCV004982489.1).
Genomic context (GRCh38, chr22:29,350,092, plus strand): 5'-CACTTGTTGGGGTACTTGCGGAAGATGTCCTTGATGACCACGATGGCCTCCTGGACCACA[T>C]AGTTGACCTTGGTCTGGATGAGGTCGAGCAGCGTGCTCACACAGCGCTCCGCAGATTGCT-3'
Protein context (NP_001118.3, residues 395-415): LLDLIQTKVN[Tyr405Cys]VVQEAIVVIK

ClinVar aggregate classification (germline): Uncertain significance (1 of 4 stars; one submission).

Conditions:
AP1B1-related disorder. Also called: AP1B1-related condition.

gnomAD v4.1: 1 of 1,614,096 alleles (0.000062%); highest among the groups gnomAD compares: Admixed American, 0.0017%; no homozygotes.

Submission:

PreventionGenetics, part of Exact Sciences
Classification: Uncertain significance for AP1B1-related condition. Last evaluated: 2026-01-06. Review status: criteria provided, single submitter. Criteria: ACMG Guidelines, 2015. Collection method: clinical testing. Allele origin: germline.
Comment: The AP1B1 c.1214A>G variant is predicted to result in the amino acid substitution p.Tyr405Cys. To our knowledge, this variant has not been reported in the literature or in a large population database (gnomAD), indicating this variant is rare. At this time, the clinical significance of this variant is uncertain due to the absence of conclusive functional and genetic evidence.